The following is an entry in ClinVar:

NM_001458.5(FLNC):c.4790C>T (p.Thr1597Met)

Gene: FLNC (filamin C; plus strand). Cytogenetic location: 7q32.1.
Variant type: single nucleotide variant.
Coding change: c.4790C>T on transcript NM_001458.5 (MANE Select); coding-DNA position 4790, C replaced by T.
Protein change: p.Thr1597Met; replaces threonine 1597 with methionine.
Molecular consequence: missense variant.
Genome position (GRCh38, 1-based): chr7:128,848,845, C>T. VCF-style: chr7-128848845-C-T. GRCh37 (hg19) VCF-style: chr7-128488899-C-T.
Other names: c.4790C>T, p.Thr1597Met (NM_001127487.2); short protein forms T1597M.
Identifiers: ClinVar variation 472079 (VCV000472079.14), dbSNP rs753742681, ClinGen allele CA4475458.
Genomic context (GRCh38, chr7:128,848,845, plus strand): 5'-TCCCTCAGGACCCCGAGGGTAAGCCCAAGAAGGCCAACATCCGGGACAATGGGGATGGCA[C>T]GTACACTGTGTCCTACCTGCCGGACATGAGTGGCCGGTACACCATCACCATCAAGTATGG-3'
Protein context (NP_001449.3, residues 1587-1607): KANIRDNGDG[Thr1597Met]YTVSYLPDMS

ClinVar aggregate classification (germline): Uncertain significance. Review status: criteria provided, multiple submitters, no conflicts (2 of 4 stars). 4 submissions from 4 submitters: Uncertain significance (4). Last evaluated 2026-09-01.

Conditions:
Cardiovascular phenotype. Identifiers: MedGen CN230736.
Distal myopathy with posterior leg and anterior hand involvement. Also called: WILLIAMS DISTAL MYOPATHY. Identifiers: Orphanet 63273, MedGen C3279722, MONDO:0013550, OMIM 614065.
Hypertrophic cardiomyopathy 26. Also called: Cardiomyopathy, familial hypertrophic, 26. Identifiers: Orphanet 75249, MedGen C4310749, MONDO:0014883, OMIM 617047.
Myofibrillar myopathy 5. Also called: Filaminopathy (type); FILAMINOPATHY, AUTOSOMAL DOMINANT. Identifiers: Orphanet 171445, MedGen C1836050, MONDO:0012289, OMIM 609524.

Allele frequency attached by ClinVar (database versions not stated): TOPMed below 0.00001; ExAC 0.00001; gnomAD 0.00001; gnomAD exomes 0.00001.
gnomAD v4.1: 25 of 1,614,014 alleles (0.0015%); highest among the groups gnomAD compares: East Asian, 0.0022%; no homozygotes.

Submissions (4):

CeGaT Center for Human Genetics Tuebingen
Classification: Uncertain significance. Last evaluated: 2026-09-01. Review status: criteria provided, single submitter. Criteria: CeGaT Center For Human Genetics Tuebingen Variant Classification Criteria Version 2. Collection method: clinical testing. Allele origin: germline. Affected: yes. Observed: 1 variant allele.

Labcorp Genetics (formerly Invitae), Labcorp
Classification: Uncertain significance for Distal myopathy with posterior leg and anterior hand involvement; Myofibrillar myopathy 5; Hypertrophic cardiomyopathy 26. Last evaluated: 2025-10-27. Review status: criteria provided, single submitter. Criteria: Invitae Variant Classification Sherloc (09022015). Collection method: clinical testing. Allele origin: germline.
Comment: This sequence change replaces threonine, which is neutral and polar, with methionine, which is neutral and non-polar, at codon 1597 of the FLNC protein (p.Thr1597Met). This variant is present in population databases (rs753742681, gnomAD 0.002%). This variant has not been reported in the literature in individuals affected with FLNC-related conditions. ClinVar contains an entry for this variant (Variation ID: 472079). Invitae Evidence Modeling of protein sequence and biophysical properties (such as structural, functional, and spatial information, amino acid conservation, physicochemical variation, residue mobility, and thermodynamic stability) has been performed for this missense variant. However, the output from this modeling did not meet the statistical confidence thresholds required to predict the impact of this variant on FLNC protein function. In summary, the available evidence is currently insufficient to determine the role of this variant in disease. Therefore, it has been classified as a Variant of Uncertain Significance.

Ambry Genetics
Classification: Uncertain significance for Cardiovascular phenotype. Last evaluated: 2024-03-05. Review status: criteria provided, single submitter. Criteria: Ambry Variant Classification Scheme 2023. Collection method: clinical testing. Allele origin: germline.
Comment: The p.T1597M variant (also known as c.4790C>T), located in coding exon 28 of the FLNC gene, results from a C to T substitution at nucleotide position 4790. The threonine at codon 1597 is replaced by methionine, an amino acid with similar properties. This amino acid position is conserved. In addition, this alteration is predicted to be deleterious by in silico analysis. Since supporting evidence is limited at this time, the clinical significance of this alteration remains unclear.

Fulgent Genetics
Classification: Uncertain significance for Myofibrillar myopathy 5; Distal myopathy with posterior leg and anterior hand involvement; Hypertrophic cardiomyopathy 26. Last evaluated: 2021-08-13. Review status: criteria provided, single submitter. Criteria: ACMG Guidelines, 2015. Collection method: clinical testing. Allele origin: unknown.